The following is an entry in ClinVar:

NM_000435.3(NOTCH3):c.5724G>A (p.Thr1908=)

Gene: NOTCH3 (notch receptor 3; minus strand). Cytogenetic location: 19p13.12.
Variant type: single nucleotide variant.
Coding change: c.5724G>A on transcript NM_000435.3 (MANE Select); coding-DNA position 5724, G replaced by A.
Protein change: p.Thr1908=; no amino-acid change (threonine 1908 retained).
Molecular consequence: synonymous variant.
Genome position (GRCh38, 1-based): chr19:15,165,459, C>T on the plus strand (G>A on the coding strand, the complement: NOTCH3 is on the minus strand). VCF-style: chr19-15165459-C-T. GRCh37 (hg19) VCF-style: chr19-15276270-C-T.
Identifiers: ClinVar variation 4749887 (VCV004749887.2).

ClinVar aggregate classification (germline): Likely benign. Review status: criteria provided, multiple submitters, no conflicts (2 of 4 stars). 2 submissions from 2 submitters: Likely benign (2). Last evaluated 2026-08-01.

gnomAD v4.1: 31 of 1,612,832 alleles (0.0019%); highest among the groups gnomAD compares: Middle Eastern, 0.016%; no homozygotes.

Submissions (2):

CeGaT Center for Human Genetics Tuebingen
Classification: Likely benign. Last evaluated: 2026-08-01. Review status: criteria provided, single submitter. Criteria: CeGaT Center For Human Genetics Tuebingen Variant Classification Criteria Version 2. Collection method: clinical testing. Allele origin: germline. Affected: yes. Observed: 1 variant allele.
Comment: NOTCH3: BP4, BP7

Labcorp Genetics (formerly Invitae), Labcorp
Classification: Likely benign. Last evaluated: 2025-10-27. Review status: criteria provided, single submitter. Criteria: Invitae Variant Classification Sherloc (09022015). Collection method: clinical testing. Allele origin: germline.